The following is an entry in ClinVar:

NM_006846.4(SPINK5):c.2620T>C (p.Tyr874His)

Gene: SPINK5 (serine peptidase inhibitor Kazal type 5; plus strand). Cytogenetic location: 5q32.
Variant type: single nucleotide variant.
Coding change: c.2620T>C on transcript NM_006846.4 (MANE Select); coding-DNA position 2620, T replaced by C.
Protein change: p.Tyr874His; replaces tyrosine 874 with histidine.
Molecular consequence: missense variant.
Genome position (GRCh38, 1-based): chr5:148,123,914, T>C. VCF-style: chr5-148123914-T-C. GRCh37 (hg19) VCF-style: chr5-147503477-T-C.
Other names: c.2620T>C, p.Tyr874His (NM_001127698.2, NM_001127699.2); short protein forms Y874H.
Identifiers: ClinVar variation 1722001 (VCV001722001.6), dbSNP rs1321875092, ClinGen allele CA361647915.

ClinVar aggregate classification (germline): Uncertain significance (1 of 4 stars; one submission).

Conditions:
Ichthyosis linearis circumflexa. Identifiers: MedGen C0265962, MONDO:0043106, HP:0025810.

Allele frequency attached by ClinVar (database versions not stated): gnomAD exomes below 0.00001; TOPMed below 0.00001; gnomAD 0.00001.
gnomAD v4.1: 3 of 1,613,894 alleles (0.00019%); highest among the groups gnomAD compares: African/African-American, 0.0027%; no homozygotes.

Submission:

Labcorp Genetics (formerly Invitae), Labcorp
Classification: Uncertain significance for Ichthyosis linearis circumflexa. Last evaluated: 2022-07-21. Review status: criteria provided, single submitter. Criteria: Invitae Variant Classification Sherloc (09022015). Collection method: clinical testing. Allele origin: germline.
Comment: Algorithms developed to predict the effect of missense changes on protein structure and function are either unavailable or do not agree on the potential impact of this missense change (SIFT: "Tolerated"; PolyPhen-2: "Possibly Damaging"; Align-GVGD: "Class C0"). In summary, the available evidence is currently insufficient to determine the role of this variant in disease. Therefore, it has been classified as a Variant of Uncertain Significance. This variant has not been reported in the literature in individuals affected with SPINK5-related conditions. This variant is present in population databases (no rsID available, gnomAD 0.007%). This sequence change replaces tyrosine, which is neutral and polar, with histidine, which is basic and polar, at codon 874 of the SPINK5 protein (p.Tyr874His).